The following is an entry in ClinVar:

NM_001039213.4(CEACAM16):c.523C>G (p.Leu175Val)

Genes: CEACAM16 (CEA cell adhesion molecule 16, tectorial membrane component; plus strand), CEACAM16-AS1 (CEACAM16, CEACAM19 and PVR antisense RNA 1; minus strand). Cytogenetic location: 19q13.32.
Variant type: single nucleotide variant.
Coding change: c.523C>G on transcript NM_001039213.4 (MANE Select); coding-DNA position 523, C replaced by G.
Protein change: p.Leu175Val; replaces leucine 175 with valine.
Molecular consequence: missense variant.
Genome position (GRCh38, 1-based): chr19:44,704,158, C>G. VCF-style: chr19-44704158-C-G. GRCh37 (hg19) VCF-style: chr19-45207428-C-G.
Other names: c.523C>G (NM_001039213.2); short protein forms L175V.
Identifiers: ClinVar variation 2989673 (VCV002989673.4), dbSNP rs780034057, ClinGen allele CA9503086.

ClinVar aggregate classification (germline): Conflicting classifications of pathogenicity. Review status: criteria provided, conflicting classifications (1 of 4 stars). 2 submissions from 2 submitters: Uncertain significance (1); Likely benign (1). Last evaluated 2025-08-01.

Conditions:
Inborn genetic diseases. Identifiers: MedGen C0950123, MeSH D030342.

Allele frequency attached by ClinVar (database versions not stated): gnomAD exomes 0.00001.
gnomAD v4.1: 10 of 1,587,798 alleles (0.00063%); highest among the groups gnomAD compares: South Asian, 0.0034%; no homozygotes.

Submissions (2):

Ambry Genetics
Classification: Likely benign for Inborn genetic diseases. Last evaluated: 2025-08-01. Review status: criteria provided, single submitter. Criteria: Ambry Variant Classification Scheme 2023. Collection method: clinical testing. Allele origin: germline.

Labcorp Genetics (formerly Invitae), Labcorp
Classification: Uncertain significance. Last evaluated: 2025-07-13. Review status: criteria provided, single submitter. Criteria: Invitae Variant Classification Sherloc (09022015). Collection method: clinical testing. Allele origin: germline.
Comment: This sequence change replaces leucine, which is neutral and non-polar, with valine, which is neutral and non-polar, at codon 175 of the CEACAM16 protein (p.Leu175Val). This variant is not present in population databases (gnomAD no frequency). This variant has not been reported in the literature in individuals affected with CEACAM16-related conditions. ClinVar contains an entry for this variant (Variation ID: 2989673). Invitae Evidence Modeling of protein sequence and biophysical properties (such as structural, functional, and spatial information, amino acid conservation, physicochemical variation, residue mobility, and thermodynamic stability) indicates that this missense variant is not expected to disrupt CEACAM16 protein function with a negative predictive value of 80%. In summary, the available evidence is currently insufficient to determine the role of this variant in disease. Therefore, it has been classified as a Variant of Uncertain Significance.